The following is an entry in ClinVar:

ClinVar aggregate classification (germline): Likely pathogenic (1 of 4 stars; one submission).

Submission:

Labcorp Genetics (formerly Invitae), Labcorp
Classification: Likely pathogenic. Last evaluated: 2024-09-06. Review status: criteria provided, single submitter. Criteria: Invitae Variant Classification Sherloc (09022015). Collection method: clinical testing. Allele origin: germline.
Comment: This sequence change affects an acceptor splice site in intron 8 of the IL2RB gene. It is expected to disrupt RNA splicing. Variants that disrupt the donor or acceptor splice site typically lead to a loss of protein function (PMID: 16199547), and loss-of-function variants in IL2RB are known to be pathogenic (PMID: 31040185). This variant is not present in population databases (gnomAD no frequency). This variant has not been reported in the literature in individuals affected with IL2RB-related conditions. Algorithms developed to predict the effect of sequence changes on RNA splicing suggest that this variant may disrupt the consensus splice site. In summary, the currently available evidence indicates that the variant is pathogenic, but additional data are needed to prove that conclusively. Therefore, this variant has been classified as Likely Pathogenic.

Literature cited by the submitters: PubMed 16199547; PubMed 31040185.

NM_000878.5(IL2RB):c.819-1G>T

Gene: IL2RB (interleukin 2 receptor subunit beta; minus strand). Cytogenetic location: 22q12.3.
Variant type: single nucleotide variant.
Coding change: c.819-1G>T on transcript NM_000878.5 (MANE Select); the canonical splice acceptor site of the intron before coding-DNA position 819, G replaced by T.
Molecular consequence: splice acceptor variant.
Genome position (GRCh38, 1-based): chr22:37,132,469, C>A on the plus strand (G>T on the coding strand, the complement: IL2RB is on the minus strand). VCF-style: chr22-37132469-C-A. GRCh37 (hg19) VCF-style: chr22-37528509-C-A.
Other names: c.819-1G>T (NM_001346222.1, NM_001346223.2).
Identifiers: ClinVar variation 2763822 (VCV002763822.3), dbSNP rs2517835887, ClinGen allele CA411426613.
Genomic context (GRCh38, chr22:37,132,469, plus strand): 5'-CTCAGCTGGGAAAAGAACTTCGAGGGGTCTGGGGTGTTACACTTCAGGACCTTCTTCAGC[C>A]TGGACAGAGGAGAGGAGGGAAGGAGGAGGGTGAGAAAGGGAAGGACCGCGGTGTTATGCC-3'